The following is an entry in ClinVar:

ClinVar aggregate classification (germline): Uncertain significance (1 of 4 stars; one submission).

Conditions:
Developmental and epileptic encephalopathy, 12 (DEE12). Identifiers: MedGen C3150988, MONDO:0013389, OMIM 613722.

Allele frequency attached by ClinVar (database versions not stated): gnomAD exomes below 0.00001; TOPMed below 0.00001.
gnomAD v4.1: 1 of 1,606,206 alleles (0.000062%); highest among the groups gnomAD compares: African/African-American, 0.0013%; no homozygotes.

Submission:

Labcorp Genetics (formerly Invitae), Labcorp
Classification: Uncertain significance for Developmental and epileptic encephalopathy, 12. Last evaluated: 2022-08-23. Review status: criteria provided, single submitter. Criteria: Invitae Variant Classification Sherloc (09022015). Collection method: clinical testing. Allele origin: germline.
Comment: This variant has not been reported in the literature in individuals affected with PNKP-related conditions. ClinVar contains an entry for this variant (Variation ID: 1432223). Algorithms developed to predict the effect of missense changes on protein structure and function are either unavailable or do not agree on the potential impact of this missense change (SIFT: "Deleterious"; PolyPhen-2: "Possibly Damaging"; Align-GVGD: "Class C0"). In summary, the available evidence is currently insufficient to determine the role of this variant in disease. Therefore, it has been classified as a Variant of Uncertain Significance. This variant is not present in population databases (gnomAD no frequency). This sequence change replaces phenylalanine, which is neutral and non-polar, with leucine, which is neutral and non-polar, at codon 518 of the PNKP protein (p.Phe518Leu).

NM_007254.4(PNKP):c.1552T>C (p.Phe518Leu)

Gene: PNKP (polynucleotide kinase 3'-phosphatase; minus strand). Cytogenetic location: 19q13.33.
Variant type: single nucleotide variant.
Coding change: c.1552T>C on transcript NM_007254.4 (MANE Select); coding-DNA position 1552, T replaced by C.
Protein change: p.Phe518Leu; replaces phenylalanine 518 with leucine.
Molecular consequence: missense variant.
Genome position (GRCh38, 1-based): chr19:49,861,262, A>G on the plus strand (T>C on the coding strand, the complement: PNKP is on the minus strand). VCF-style: chr19-49861262-A-G. GRCh37 (hg19) VCF-style: chr19-50364519-A-G.
Other names: short protein forms F518L.
Identifiers: ClinVar variation 1432223 (VCV001432223.6), dbSNP rs979727253, ClinGen allele CA309539569.
Genomic context (GRCh38, chr19:49,861,262, plus strand): 5'-GCTCAAGGAGAAACAGCGTTTATTGTGGAGGGGAGCTGGGCGGGGCTCAGCCCTCGGAGA[A>G]CTGGCAGTACAGCCGCCCCAGCCTCGGCTCCACCCATAGCCGGAACGGGATCTCCAGGAT-3'
Protein context (NP_009185.2, residues 508-521): EPRLGRLYCQ[Phe518Leu]SEG